The following is an entry in ClinVar:

NM_017672.6(TRPM7):c.3136G>C (p.Gly1046Arg)

Gene: TRPM7 (transient receptor potential cation channel subfamily M member 7; minus strand). Cytogenetic location: 15q21.2.
Variant type: single nucleotide variant.
Coding change: c.3136G>C on transcript NM_017672.6 (MANE Select); coding-DNA position 3136, G replaced by C.
Protein change: p.Gly1046Arg; replaces glycine 1046 with arginine.
Molecular consequence: missense variant. On other transcripts: non-coding transcript variant (3).
Genome position (GRCh38, 1-based): chr15:50,599,149, C>G on the plus strand (G>C on the coding strand, the complement: TRPM7 is on the minus strand). VCF-style: chr15-50599149-C-G. GRCh37 (hg19) VCF-style: chr15-50891346-C-G.
Other names: c.3136G>C, p.Gly1046Arg (NM_001301212.2); short protein forms G1046R.
Identifiers: ClinVar variation 2429032 (VCV002429032.4), dbSNP rs2542317060, ClinGen allele CA392405100.
Genomic context (GRCh38, chr15:50,599,149, plus strand): 5'-CAAAAGATAAATCTGTAAATATACAATTCTTACCATCAATTTCGTATGCATAAACTTCAC[C>G]AAAAATCATCCAGTATGGGTGAAAAACTATATCTTTAGCAAGAGTCCAAGATGGTGCTTC-3'
Protein context (NP_060142.3, residues 1036-1056): IVFHPYWMIF[Gly1046Arg]EVYAYEIDVC

ClinVar aggregate classification (germline): Uncertain significance (1 of 4 stars; one submission).

Submission:

Greenwood Genetic Center Diagnostic Laboratories, Greenwood Genetic Center
Classification: Uncertain significance. Last evaluated: 2022-12-14. Review status: criteria provided, single submitter. Criteria: ACMG Guidelines, 2015. Collection method: clinical testing. Allele origin: germline. Affected: yes.
Comment: Gene of Uncertain Significance